The following is an entry in ClinVar:

ClinVar aggregate classification (germline): Pathogenic/Likely pathogenic. Review status: criteria provided, multiple submitters, no conflicts (2 of 4 stars). 4 submissions from 4 submitters: Pathogenic (2); Likely pathogenic (2). Last evaluated 2025-06-08.

Conditions:
Arthrogryposis multiplex congenita 6. Identifiers: MedGen C5543431, MONDO:0030281, OMIM 619334.
Nemaline myopathy 2 (NEM2). Also called: Nemaline myopathy 2, autosomal recessive. Identifiers: MedGen C1850569, MONDO:0009725, OMIM 256030.

Allele frequency attached by ClinVar (database versions not stated): gnomAD 0.00001; ExAC 0.00002.
gnomAD v4.1: 14 of 1,613,626 alleles (0.00087%); highest among the groups gnomAD compares: South Asian, 0.0022%; no homozygotes.

Submissions (4):

Natera, Inc.
Classification: Likely pathogenic for Nemaline myopathy type 2. Last evaluated: 2025-06-08. Review status: criteria provided, single submitter. Criteria: Natera Variant Classification Schema (03/2026). Collection method: clinical testing. Allele origin: germline.
Comment: The c.25051C>T variant in NEB is a nonsense variant predicted to introduce a stop codon at amino acid 8351. This variant is expected to result in nonsense mediated decay, truncation, or a dysfunctional protein product. This variant is rare in the general population with a frequency below the threshold expected for the associated phenotype(s). Given the available evidence, this variant is classified as Likely Pathogenic.

Labcorp Genetics (formerly Invitae), Labcorp
Classification: Pathogenic for Nemaline myopathy 2. Last evaluated: 2024-03-10. Review status: criteria provided, single submitter. Criteria: Invitae Variant Classification Sherloc (09022015). Collection method: clinical testing. Allele origin: germline.
Comment: This sequence change creates a premature translational stop signal (p.Arg8351*) in the NEB gene. It is expected to result in an absent or disrupted protein product. Loss-of-function variants in NEB are known to be pathogenic (PMID: 25205138). This variant is present in population databases (rs758327681, gnomAD 0.003%). This variant has not been reported in the literature in individuals affected with NEB-related conditions. ClinVar contains an entry for this variant (Variation ID: 1323342). For these reasons, this variant has been classified as Pathogenic.

Baylor Genetics
Classification: Likely pathogenic for Arthrogryposis multiplex congenita 6. Last evaluated: 2023-10-19. Review status: criteria provided, single submitter. Criteria: ACMG Guidelines, 2015. Collection method: clinical testing. Allele origin: unknown.

Revvity Omics, Revvity
Classification: Pathogenic. Last evaluated: 2021-09-26. Review status: criteria provided, single submitter. Criteria: ACMG Guidelines, 2015. Collection method: clinical testing. Allele origin: germline.

Literature cited by the submitters: PubMed 25205138 (cited by Labcorp Genetics (formerly Invitae), Labcorp).

NM_001164508.2(NEB):c.24946C>T (p.Arg8316Ter)

Genes: NEB (nebulin; minus strand), RIF1 (replication timing regulatory factor 1; plus strand). Cytogenetic location: 2q23.3.
Variant type: single nucleotide variant.
Coding change: c.24946C>T on transcript NM_001164508.2 (MANE Select); coding-DNA position 24946, C replaced by T.
Protein change: p.Arg8316Ter; replaces arginine 8316 with a stop codon.
Molecular consequence: nonsense.
Genome position (GRCh38, 1-based): chr2:151,492,209, G>A on the plus strand (C>T on the coding strand, the complement: NEB is on the minus strand). VCF-style: chr2-151492209-G-A. GRCh37 (hg19) VCF-style: chr2-152348723-G-A.
Other names: c.25051C>T (NM_001271208.1); c.25051C>T, p.Arg8351Ter (NM_001271208.2); c.24946C>T, p.Arg8316Ter (NM_001164507.2); c.19378C>T, p.Arg6460Ter (NM_004543.5); short protein forms R6460*, R8316*, R8351*.
Identifiers: ClinVar variation 1323342 (VCV001323342.11), dbSNP rs758327681, ClinGen allele CA1905861.